The following is an entry in ClinVar:

ClinVar aggregate classification (germline): Uncertain significance (1 of 4 stars; one submission).

Submission:

Labcorp Genetics (formerly Invitae), Labcorp
Classification: Uncertain significance. Last evaluated: 2024-10-24. Review status: criteria provided, single submitter. Criteria: Invitae Variant Classification Sherloc (09022015). Collection method: clinical testing. Allele origin: germline.
Comment: This sequence change replaces valine, which is neutral and non-polar, with isoleucine, which is neutral and non-polar, at codon 264 of the PHF21A protein (p.Val264Ile). This variant is present in population databases (no rsID available, gnomAD 0.008%). This variant has not been reported in the literature in individuals affected with PHF21A-related conditions. Invitae Evidence Modeling of protein sequence and biophysical properties (such as structural, functional, and spatial information, amino acid conservation, physicochemical variation, residue mobility, and thermodynamic stability) indicates that this missense variant is not expected to disrupt PHF21A protein function with a negative predictive value of 80%. In summary, the available evidence is currently insufficient to determine the role of this variant in disease. Therefore, it has been classified as a Variant of Uncertain Significance.

NM_001352027.3(PHF21A):c.793G>A (p.Val265Ile)

Gene: PHF21A (PHD finger protein 21A; minus strand). Cytogenetic location: 11p11.2.
Variant type: single nucleotide variant.
Coding change: c.793G>A on transcript NM_001352027.3 (MANE Select); coding-DNA position 793, G replaced by A.
Protein change: p.Val265Ile; replaces valine 265 with isoleucine.
Molecular consequence: missense variant. On other transcripts: non-coding transcript variant (2).
Genome position (GRCh38, 1-based): chr11:45,965,518, C>T on the plus strand (G>A on the coding strand, the complement: PHF21A is on the minus strand). VCF-style: chr11-45965518-C-T. GRCh37 (hg19) VCF-style: chr11-45987069-C-T.
Other names: c.793G>A, p.Val265Ile (NM_001352025.3, NM_001352026.3, NM_001352028.1 and 2 more transcripts); c.790G>A, p.Val264Ile (NM_001352030.3, NM_001352031.3, NM_001352032.3 and 1 more transcripts); short protein forms V264I, V265I.
Identifiers: ClinVar variation 3604778 (VCV003604778.2).